The following is an entry in ClinVar:

ClinVar aggregate classification (germline): Uncertain significance (1 of 4 stars; one submission).

Conditions:
Inborn genetic diseases. Identifiers: MedGen C0950123, MeSH D030342.

Allele frequency attached by ClinVar (database versions not stated): gnomAD 0.00002; TOPMed 0.00002.
gnomAD v4.1: 3 of 1,613,610 alleles (0.00019%); highest among the groups gnomAD compares: African/African-American, 0.004%; no homozygotes.

Submission:

Ambry Genetics
Classification: Uncertain significance for Inborn genetic diseases. Last evaluated: 2024-07-31. Review status: criteria provided, single submitter. Criteria: Ambry Variant Classification Scheme 2023. Collection method: clinical testing. Allele origin: germline.
Comment: The p.W189C variant (also known as c.567G>T), located in coding exon 7 of the ERCC2 gene, results from a G to T substitution at nucleotide position 567. The tryptophan at codon 189 is replaced by cysteine, an amino acid with highly dissimilar properties. This amino acid position is conserved. In addition, this alteration is predicted to be deleterious by in silico analysis. Since supporting evidence is limited at this time, the clinical significance of this alteration remains unclear.

NM_000400.4(ERCC2):c.567G>T (p.Trp189Cys)

Gene: ERCC2 (ERCC excision repair 2, TFIIH core complex helicase subunit; minus strand). Cytogenetic location: 19q13.32.
Variant type: single nucleotide variant.
Coding change: c.567G>T on transcript NM_000400.4 (MANE Select); coding-DNA position 567, G replaced by T.
Protein change: p.Trp189Cys; replaces tryptophan 189 with cysteine.
Molecular consequence: missense variant.
Genome position (GRCh38, 1-based): chr19:45,364,865, C>A on the plus strand (G>T on the coding strand, the complement: ERCC2 is on the minus strand). VCF-style: chr19-45364865-C-A. GRCh37 (hg19) VCF-style: chr19-45868123-C-A.
Other names: c.495G>T, p.Trp165Cys (NM_001130867.2); short protein forms W165C, W189C.
Identifiers: ClinVar variation 1749022 (VCV001749022.3), dbSNP rs377532898, ClinGen allele CA308969709.